The following is an entry in ClinVar:

NM_017849.4(TMEM127):c.74A>G (p.Lys25Arg)

Genes: TMEM127 (transmembrane protein 127; minus strand), LOC129934333 (ATAC-STARR-seq lymphoblastoid silent region 11759; plus strand). Cytogenetic location: 2q11.2.
Variant type: single nucleotide variant.
Coding change: c.74A>G on transcript NM_017849.4 (MANE Select); coding-DNA position 74, A replaced by G.
Protein change: p.Lys25Arg; replaces lysine 25 with arginine.
Molecular consequence: missense variant. On other transcripts: intron variant (1).
Genome position (GRCh38, 1-based): chr2:96,265,308, T>C on the plus strand (A>G on the coding strand, the complement: TMEM127 is on the minus strand). VCF-style: chr2-96265308-T-C. GRCh37 (hg19) VCF-style: chr2-96931046-T-C.
Other names: c.74A>G, p.Lys25Arg (NM_001193304.3); c.-9+561A>G (NM_001407283.1); short protein forms K25R.
Identifiers: ClinVar variation 2501387 (VCV002501387.2), dbSNP rs2467285908, ClinGen allele CA347656167.

ClinVar aggregate classification (germline): Uncertain significance. Review status: criteria provided, multiple submitters, no conflicts (2 of 4 stars). 2 submissions from 2 submitters: Uncertain significance (2). Last evaluated 2026-01-20.

Conditions:
Hereditary cancer-predisposing syndrome. Also called: Neoplastic Syndromes, Hereditary; Tumor predisposition; Hereditary Cancer Syndrome; Hereditary neoplastic syndrome. Identifiers: Orphanet 140162, MedGen C0027672, MeSH D009386, MONDO:0015356.

Submissions (2):

Ambry Genetics
Classification: Uncertain significance for Hereditary cancer-predisposing syndrome. Last evaluated: 2026-01-20. Review status: criteria provided, single submitter. Criteria: Ambry Variant Classification Scheme 2023. Collection method: clinical testing. Allele origin: germline.

GeneDx
Classification: Uncertain significance. Last evaluated: 2022-11-03. Review status: criteria provided, single submitter. Criteria: GeneDx Variant Classification Process June 2021. Collection method: clinical testing. Allele origin: germline. Affected: yes.
Comment: Not observed at significant frequency in large population cohorts (gnomAD); In silico analysis supports that this missense variant does not alter protein structure/function; Has not been previously published as pathogenic or benign to our knowledge